The following is an entry in ClinVar:

NM_020822.3(KCNT1):c.273C>T (p.Tyr91=)

Gene: KCNT1 (potassium sodium-activated channel subfamily T member 1; plus strand). Cytogenetic location: 9q34.3.
Variant type: single nucleotide variant.
Coding change: c.273C>T on transcript NM_020822.3 (MANE Select); coding-DNA position 273, C replaced by T.
Protein change: p.Tyr91=; no amino-acid change (tyrosine 91 retained).
Molecular consequence: synonymous variant.
Genome position (GRCh38, 1-based): chr9:135,750,116, C>T. VCF-style: chr9-135750116-C-T. GRCh37 (hg19) VCF-style: chr9-138641962-C-T.
Other names: c.129C>T, p.Tyr43= (NM_001272003.2).
Identifiers: ClinVar variation 696897 (VCV000696897.50), dbSNP rs770619151, ClinGen allele CA5326354.

ClinVar aggregate classification (germline): Likely benign. Review status: criteria provided, multiple submitters, no conflicts (2 of 4 stars). 5 submissions from 4 submitters: Likely benign (5). Last evaluated 2025-11-09.

Conditions:
Developmental and epileptic encephalopathy, 14 (DEE14). Also called: Early infantile epileptic encephalopathy 14. Identifiers: Orphanet 293181, MedGen C3554195, MONDO:0013989, OMIM 614959.
Autosomal dominant nocturnal frontal lobe epilepsy 5. Also called: CILIARY DYSKINESIA, PRIMARY, 28, WITHOUT SITUS INVERSUS; CILIARY DYSKINESIA, PRIMARY, 28, WITH SITUS INVERSUS; Epilepsy, nocturnal frontal lobe, 5; KCNT1-Related Epilepsy. Identifiers: Orphanet 98784, MedGen C3554306, MONDO:0014002, OMIM 615005.

Allele frequency attached by ClinVar (database versions not stated): ExAC 0.00001; gnomAD exomes 0.00002 and 0.00007; TOPMed 0.00002; gnomAD 0.00005 and 0.00006.
gnomAD v4.1: 115 of 1,613,652 alleles (0.0071%); highest among the groups gnomAD compares: Non-Finnish European, 0.0086%; no homozygotes.

Submissions (5):

Labcorp Genetics (formerly Invitae), Labcorp
Classification: Likely benign for Autosomal dominant nocturnal frontal lobe epilepsy 5; Developmental and epileptic encephalopathy, 14. Last evaluated: 2025-11-09. Review status: criteria provided, single submitter. Criteria: Invitae Variant Classification Sherloc (09022015). Collection method: clinical testing. Allele origin: germline.

Blueprint Genetics
Classification: Likely benign. Last evaluated: 2024-09-18. Review status: criteria provided, single submitter. Criteria: ACMG Guidelines, 2015. Collection method: clinical testing. Allele origin: germline.

CeGaT Center for Human Genetics Tuebingen
Classification: Likely benign. Last evaluated: 2022-10-01. Review status: criteria provided, single submitter. Criteria: CeGaT Center For Human Genetics Tuebingen Variant Classification Criteria Version 2. Collection method: clinical testing. Allele origin: germline. Affected: yes. Observed: 2 variant alleles.
Comment: KCNT1: BP4, BP7

Genome-Nilou Lab
Classification: Likely benign for Developmental and epileptic encephalopathy, 14. Last evaluated: 2022-03-15. Review status: criteria provided, single submitter. Criteria: ACMG Guidelines, 2015. Collection method: clinical testing. Allele origin: germline. Affected: no.

Genome-Nilou Lab
Classification: Likely benign for Autosomal dominant nocturnal frontal lobe epilepsy 5. Last evaluated: 2022-03-15. Review status: criteria provided, single submitter. Criteria: ACMG Guidelines, 2015. Collection method: clinical testing. Allele origin: germline. Affected: no.